The following is an entry in ClinVar:

ClinVar aggregate classification (germline): Uncertain significance (1 of 4 stars; one submission).

Allele frequency attached by ClinVar (database versions not stated): gnomAD exomes below 0.00001.

Submission:

Labcorp Genetics (formerly Invitae), Labcorp
Classification: Uncertain significance. Last evaluated: 2023-08-16. Review status: criteria provided, single submitter. Criteria: Invitae Variant Classification Sherloc (09022015). Collection method: clinical testing. Allele origin: germline.
Comment: Advanced modeling of protein sequence and biophysical properties (such as structural, functional, and spatial information, amino acid conservation, physicochemical variation, residue mobility, and thermodynamic stability) performed at Invitae indicates that this missense variant is not expected to disrupt FGD1 protein function. In summary, the available evidence is currently insufficient to determine the role of this variant in disease. Therefore, it has been classified as a Variant of Uncertain Significance. This variant has not been reported in the literature in individuals affected with FGD1-related conditions. This variant is present in population databases (no rsID available, gnomAD 0.008%). This sequence change replaces threonine, which is neutral and polar, with serine, which is neutral and polar, at codon 697 of the FGD1 protein (p.Thr697Ser).

NM_004463.3(FGD1):c.2089A>T (p.Thr697Ser)

Gene: FGD1 (FYVE, RhoGEF and PH domain containing 1; minus strand). Cytogenetic location: Xp11.22.
Variant type: single nucleotide variant.
Coding change: c.2089A>T on transcript NM_004463.3 (MANE Select); coding-DNA position 2089, A replaced by T.
Protein change: p.Thr697Ser; replaces threonine 697 with serine.
Molecular consequence: missense variant.
Genome position (GRCh38, 1-based): chrX:54,449,718, T>A on the plus strand (A>T on the coding strand, the complement: FGD1 is on the minus strand). VCF-style: chrX-54449718-T-A. GRCh37 (hg19) VCF-style: chrX-54476151-T-A.
Other names: short protein forms T697S.
Identifiers: ClinVar variation 2814178 (VCV002814178.3), dbSNP rs1360207511, ClinGen allele CA413359516.